The following is an entry in ClinVar:

NM_020680.4(SCYL1):c.674C>A (p.Ala225Asp)

Gene: SCYL1 (SCY1 like pseudokinase 1; plus strand). Cytogenetic location: 11q13.1.
Variant type: single nucleotide variant.
Coding change: c.674C>A on transcript NM_020680.4 (MANE Select); coding-DNA position 674, C replaced by A.
Protein change: p.Ala225Asp; replaces alanine 225 with aspartic acid.
Molecular consequence: missense variant.
Genome position (GRCh38, 1-based): chr11:65,526,854, C>A. VCF-style: chr11-65526854-C-A. GRCh37 (hg19) VCF-style: chr11-65294325-C-A.
Other names: c.674C>A, p.Ala225Asp (NM_001048218.2, NM_001411022.1); short protein forms A225D.
Identifiers: ClinVar variation 2631387 (VCV002631387.1), dbSNP rs2495881355, ClinGen allele CA381261559.

ClinVar aggregate classification (germline): Uncertain significance (1 of 4 stars; one submission).

Conditions:
SCYL1-related disorder. Also called: SCYL1-related condition.

Submission:

PreventionGenetics, part of Exact Sciences
Classification: Uncertain significance for SCYL1-related condition. Last evaluated: 2023-07-13. Review status: criteria provided, single submitter. Criteria: ACMG Guidelines, 2015. Collection method: clinical testing. Allele origin: germline.
Comment: The SCYL1 c.674C>A variant is predicted to result in the amino acid substitution p.Ala225Asp. To our knowledge, this variant has not been reported in the literature or in a large population database, indicating this variant is rare. At this time, the clinical significance of this variant is uncertain due to the absence of conclusive functional and genetic evidence.